The following is an entry in ClinVar:

NM_000288.4(PEX7):c.86del (p.Pro29fs)

Gene: PEX7 (peroxisomal biogenesis factor 7; plus strand). Cytogenetic location: 6q23.3.
Variant type: Deletion.
Coding change: c.86del on transcript NM_000288.4 (MANE Select); coding-DNA position 86, one base deleted (C; older notation c.86delC).
Protein change: p.Pro29fs; shifts the reading frame from proline 29.
Molecular consequence: frameshift variant.
Genome position (GRCh38, 1-based): chr6:136,822,751, C deleted; the last of 2 consecutive C bases (chr6:136,822,750-136,822,751); deleting either gives the same sequence. VCF-style (leftmost placement, unchanged base first): chr6-136822749-GC-G. GRCh37 (hg19) VCF-style: chr6-137143887-GC-G.
Other names: short protein forms P29fs.
Identifiers: ClinVar variation 5014396 (VCV005014396.1).

ClinVar aggregate classification (germline): Pathogenic (1 of 4 stars; one submission).

Conditions:
Peroxisome biogenesis disorder. Identifiers: Orphanet 79189, MedGen C1832200, MONDO:0019234. Disease mechanism: loss of function.

Submission:

Myriad Genetics, Inc.
Classification: Pathogenic for Peroxisome biogenesis disorder. Last evaluated: 2025-05-07. Review status: criteria provided, single submitter. Criteria: Myriad Autosomal Dominant, Autosomal Recessive and X-Linked Classification Criteria (2023). Collection method: clinical testing. Allele origin: unknown.
Comment: NM_000288.3(PEX7):c.86delC(P29Rfs*21) is expected to be pathogenic in the context of PEX7-related disorders. This variant is predicted to lead to an abnormal or absent protein product due to the creation of a premature termination codon in PEX7, a gene where loss-of-function variants are known to be pathogenic. Please note: this variant was assessed in the context of healthy population screening.